The following is an entry in ClinVar:

ClinVar aggregate classification (germline): Likely benign (1 of 4 stars; one submission).

Allele frequency attached by ClinVar (database versions not stated): TOPMed 0.00004 and 0.00006; ExAC 0.00003; gnomAD 0.00001; gnomAD exomes 0.00005.
gnomAD v4.1: 17 of 1,611,370 alleles (0.0011%); highest among the groups gnomAD compares: East Asian, 0.033%; no homozygotes.

Submission:

GeneDx
Classification: Likely benign. Last evaluated: 2017-09-06. Review status: criteria provided, single submitter. Criteria: GeneDx Variant Classification (06012015). Collection method: clinical testing. Allele origin: germline. Affected: yes.
Comment: This variant is considered likely benign or benign based on one or more of the following criteria: it is a conservative change, it occurs at a poorly conserved position in the protein, it is predicted to be benign by multiple in silico algorithms, and/or has population frequency not consistent with disease.

NM_207034.3(EDN3):c.24T>G (p.Leu8=)

Gene: EDN3 (endothelin 3; plus strand). Cytogenetic location: 20q13.32.
Variant type: single nucleotide variant.
Coding change: c.24T>G on transcript NM_207034.3 (MANE Select); coding-DNA position 24, T replaced by G.
Protein change: p.Leu8=; no amino-acid change (leucine 8 retained).
Molecular consequence: synonymous variant.
Genome position (GRCh38, 1-based): chr20:59,300,836, T>G. VCF-style: chr20-59300836-T-G. GRCh37 (hg19) VCF-style: chr20-57875891-T-G.
Other names: c.24T>G, p.Leu8= (NM_001302455.2, NM_001302456.2, NM_207032.3 and 1 more transcripts).
Identifiers: ClinVar variation 511702 (VCV000511702.1), dbSNP rs765898330, ClinGen allele CA9930231.
Genomic context (GRCh38, chr20:59,300,836, plus strand): 5'-CCTCCTGGTCCGGTGCTCCGGCGCCTGATCTAGGTTCATGGAGCCGGGGCTGTGGCTCCT[T>G]TTCGGGCTCACAGTGACCTCCGCCGCAGGTAAGCGCACGGGGCGGCGCGCCTCTCCTGGC-3'
Protein context (NP_996917.1, residues 1-18): MEPGLWL[Leu8=]FGLTVTSAAG